The following is an entry in ClinVar:

NM_181458.4(PAX3):c.124G>A (p.Gly42Ser)

Gene: PAX3 (paired box 3; minus strand). Cytogenetic location: 2q36.1.
Variant type: single nucleotide variant.
Coding change: c.124G>A on transcript NM_181458.4 (MANE Select); coding-DNA position 124, G replaced by A.
Protein change: p.Gly42Ser; replaces glycine 42 with serine.
Molecular consequence: missense variant.
Genome position (GRCh38, 1-based): chr2:222,297,175, C>T on the plus strand (G>A on the coding strand, the complement: PAX3 is on the minus strand). VCF-style: chr2-222297175-C-T. GRCh37 (hg19) VCF-style: chr2-223161894-C-T.
Other names: c.124G>A, p.Gly42Ser (NM_000438.6, NM_001127366.3, NM_013942.5 and 4 more transcripts); short protein forms G42S.
Identifiers: ClinVar variation 4526475 (VCV004526475.3).

ClinVar aggregate classification (germline): Likely pathogenic. Review status: criteria provided, multiple submitters, no conflicts (2 of 4 stars). 2 submissions from 2 submitters: Likely pathogenic (2). Last evaluated 2026-04-01.

Conditions:
Monogenic hearing loss.
Waardenburg syndrome. Also called: Waardenburg's syndrome. Identifiers: Orphanet 3440, MedGen C3266898, MONDO:0018094.

gnomAD v4.1: 1 of 1,597,420 alleles (0.000063%); highest among the groups gnomAD compares: Non-Finnish European, 0.000085%; no homozygotes.

Submissions (2):

Victorian Clinical Genetics Services, Murdoch Childrens Research Institute
Classification: Likely pathogenic for Waardenburg syndrome. Last evaluated: 2026-04-01. Review status: criteria provided, single submitter. Criteria: ACMG Guidelines, 2015. Collection method: clinical testing. Allele origin: germline. Affected: yes.
Comment: This variant is classified as Likely pathogenic. Evidence in support of pathogenic classification: Variant is present in gnomAD <0.01 (v4: 1 heterozygote(s), 0 homozygote(s)); This variant has limited previous evidence of pathogenicity in an unrelated individual(s). This variant has been classified as likely pathogenic by a clinical laboratory in ClinVar. - Another missense variant(s) comparable to the one identified in this case has moderate previous evidence for pathogenicity. p.(Gly42Arg) has been classified as likely pathogenic by clinical laboratories in ClinVar, and reported in the literature in individuals with Waardenburg syndrome type 1 (PMID: 28686331, 29407415); Missense variant predicted to be damaging by in silico tool(s) or highly conserved with a major amino acid change; Strong phenotype match for this individual. Additional information: Variant is predicted to result in a missense amino acid change from Gly to Ser; This variant is heterozygous; This gene is associated with both recessive and dominant disease. Waardenburg syndrome is typically dominant; however, recessive inheritance has been observed in more severe cases (PMID: 30854529); Alternative amino acid change(s) at the same position are present in gnomAD (highest allele count: v4: 1 heterozygote(s), 0 homozygote(s)); No published evidence of segregation with disease has been identified for this variant; No published functional evidence has been identified for this variant; Variant is located in the annotated 'Paired box' domain (DECIPHER); Loss of function is a known mechanism of disease in this gene and is associated with Waardenburg syndrome type 1 (MIM#193500), Waardenburg syndrome type 3 (MIM#148820) and craniofacial-deafness-hand syndrome (MIM#122880); Inheritance information for this variant is not currently available in this individual.

Genetics Laboratory, Great Ormond Street Hospital NHS Foundation Trust, North Thames Genomic Laboratory Hub
Classification: Likely pathogenic for Monogenic hearing loss. Last evaluated: 2025-09-01. Review status: criteria provided, single submitter. Criteria: ACGS Best Practice Guidelines for Variant Classification in Rare Disease 2024 v1.2. Collection method: clinical testing. Allele origin: germline. Affected: yes.
Comment: PM2_moderate, PP3_supporting, PM5_supporting, PM1_supporting, PP2_supporting

Literature cited by the submitters: PubMed 28686331 (cited by Victorian Clinical Genetics Services, Murdoch Childrens Research Institute); PubMed 29407415 (cited by Victorian Clinical Genetics Services, Murdoch Childrens Research Institute); PubMed 30854529 (cited by Victorian Clinical Genetics Services, Murdoch Childrens Research Institute).